The following is an entry in ClinVar:

ClinVar aggregate classification (germline): Uncertain significance. Review status: criteria provided, multiple submitters, no conflicts (2 of 4 stars). 2 submissions from 2 submitters: Uncertain significance (2). Last evaluated 2022-04-23.

Allele frequency attached by ClinVar (database versions not stated): gnomAD 0.00001; TOPMed 0.00001.
gnomAD v4.1: 25 of 1,613,982 alleles (0.0015%); highest among the groups gnomAD compares: Non-Finnish European, 0.0019%; no homozygotes.

Submissions (2):

Blueprint Genetics
Classification: Uncertain significance. Last evaluated: 2022-04-23. Review status: criteria provided, single submitter. Criteria: ACMG Guidelines, 2015. Collection method: clinical testing. Allele origin: germline.

Labcorp Genetics (formerly Invitae), Labcorp
Classification: Uncertain significance. Last evaluated: 2021-10-12. Review status: criteria provided, single submitter. Criteria: Invitae Variant Classification Sherloc (09022015). Collection method: clinical testing. Allele origin: germline.
Comment: This sequence change replaces isoleucine with asparagine at codon 97 of the CLRN1 protein (p.Ile97Asn). The isoleucine residue is highly conserved and there is a large physicochemical difference between isoleucine and asparagine. This variant is not present in population databases (ExAC no frequency). This variant has been observed in individual(s) with clinical features of CLRN1-related conditions (PMID: 32037395). Algorithms developed to predict the effect of missense changes on protein structure and function are either unavailable or do not agree on the potential impact of this missense change (SIFT: "Deleterious"; PolyPhen-2: "Possibly Damaging"; Align-GVGD: "Class C0"). In summary, the available evidence is currently insufficient to determine the role of this variant in disease. Therefore, it has been classified as a Variant of Uncertain Significance.

Literature cited by the submitters: PubMed 32037395 (cited by Labcorp Genetics (formerly Invitae), Labcorp).

NM_174878.3(CLRN1):c.290T>A (p.Ile97Asn)

Gene: CLRN1 (clarin 1; minus strand). Cytogenetic location: 3q25.1.
Variant type: single nucleotide variant.
Coding change: c.290T>A on transcript NM_174878.3 (MANE Select); coding-DNA position 290, T replaced by A.
Protein change: p.Ile97Asn; replaces isoleucine 97 with asparagine.
Molecular consequence: missense variant. On other transcripts: non-coding transcript variant (1).
Genome position (GRCh38, 1-based): chr3:150,941,725, A>T on the plus strand (T>A on the coding strand, the complement: CLRN1 is on the minus strand). VCF-style: chr3-150941725-A-T. GRCh37 (hg19) VCF-style: chr3-150659512-A-T.
Other names: c.290T>A, p.Ile97Asn (NM_001195794.1); c.462T>A, p.His154Gln (NM_001256819.2); c.62T>A, p.Ile21Asn (NM_052995.2); short protein forms I97N, H154Q, I21N.
Identifiers: ClinVar variation 1379422 (VCV001379422.4), dbSNP rs759441941, ClinGen allele CA354956021.
Genomic context (GRCh38, chr3:150,941,725, plus strand): 5'-GCTGTCCCCACCATGGTTAACACAATAAGGATGGCAGAGAAGAGAATGACATTGACGTGG[A>T]TGCTCACTGGGATTGCTTTGAGCAAATCTGGAAAAACTGAAGATAAGACAAAACTAGGGT-3'
Protein context (NP_777367.1, residues 87-107): PDLLKAIPVS[Ile97Asn]HVNVILFSAI